The following is an entry in ClinVar:

NM_007194.4(CHEK2):c.436A>C (p.Ile146Leu)

Gene: CHEK2 (checkpoint kinase 2; minus strand). Cytogenetic location: 22q12.1.
Variant type: single nucleotide variant.
Coding change: c.436A>C on transcript NM_007194.4 (MANE Select); coding-DNA position 436, A replaced by C.
Protein change: p.Ile146Leu; replaces isoleucine 146 with leucine.
Molecular consequence: missense variant.
Genome position (GRCh38, 1-based): chr22:28,725,251, T>G on the plus strand (A>C on the coding strand, the complement: CHEK2 is on the minus strand). VCF-style: chr22-28725251-T-G. GRCh37 (hg19) VCF-style: chr22-29121239-T-G.
Other names: c.565A>C, p.Ile189Leu (NM_001005735.3); c.-342A>C (NM_001257387.3); c.436A>C, p.Ile146Leu (NM_001349956.3, NM_145862.3); short protein forms I146L, I189L.
Identifiers: ClinVar variation 479549 (VCV000479549.30), dbSNP rs781678896, ClinGen allele CA10168005.

ClinVar aggregate classification (germline): Uncertain significance. Review status: criteria provided, multiple submitters, no conflicts (2 of 4 stars). 9 submissions from 9 submitters: Uncertain significance (9). Last evaluated 2026-09-21.

Conditions:
Bone osteosarcoma. Also called: Osteosarcoma, somatic. Identifiers: Orphanet 668, MedGen C0585442, MONDO:0002629, OMIM 259500.
Prostate cancer. Also called: Malignant tumor of prostate. Identifiers: Orphanet 1331, MedGen C0376358, MONDO:0008315, HP:0012125.
CHEK2-related cancer predisposition (TPDS4). Also called: TUMOR PREDISPOSITION SYNDROME 4; CANCER PREDISPOSITION SYNDROME, CHEK2-RELATED; CHEK2-related cancer susceptibility. Identifiers: Orphanet 524, MedGen C5882668, MONDO:0700271, OMIM 609265.
Familial cancer of breast. Also called: BREAST CANCER, FAMILIAL; Hereditary breast cancer; hereditary breast carcinoma. Identifiers: Orphanet 227535, MedGen C0346153, MONDO:0016419, OMIM 114480. Disease mechanism: loss of function.
Hereditary cancer-predisposing syndrome. Also called: Hereditary Cancer Syndrome; Hereditary neoplastic syndrome; Neoplastic Syndromes, Hereditary; Tumor predisposition. Identifiers: Orphanet 140162, MedGen C0027672, MeSH D009386, MONDO:0015356.
CHEK2-related disorder.

Allele frequency attached by ClinVar (database versions not stated): gnomAD 0.00001; ExAC 0.00002; gnomAD exomes 0.00001; TOPMed 0.00001.
gnomAD v4.1: 4 of 1,613,938 alleles (0.00025%); highest among the groups gnomAD compares: Admixed American, 0.0017%; no homozygotes.

Submissions (9):

PreventionGenetics, part of Exact Sciences
Classification: Uncertain significance for CHEK2-related condition. Last evaluated: 2026-09-21. Review status: criteria provided, single submitter. Criteria: ACMG Guidelines, 2015. Collection method: clinical testing. Allele origin: germline.
Comment: The CHEK2 c.436A>C variant is predicted to result in the amino acid substitution p.Ile146Leu. This variant has been reported in individuals undergoing hereditary cancer panel testing (Table S2, Vargas-Parra et al. 2020. PubMed ID: 32906215). This variant has also been reported in individuals with breast cancer as well as unaffected controls (Supplementary data, Breast Cancer Association Consortium. 2021. PubMed ID: 33471991). This variant is reported in 0.0026% of alleles in individuals of European (Non-Finnish) descent in gnomAD. At this time, the clinical significance of this variant is uncertain due to the absence of conclusive functional and genetic evidence.

Labcorp Genetics (formerly Invitae), Labcorp
Classification: Uncertain significance for Familial cancer of breast. Last evaluated: 2025-10-19. Review status: criteria provided, single submitter. Criteria: Invitae Variant Classification Sherloc (09022015). Collection method: clinical testing. Allele origin: germline.
Comment: This sequence change replaces isoleucine, which is neutral and non-polar, with leucine, which is neutral and non-polar, at codon 146 of the CHEK2 protein (p.Ile146Leu). This variant is present in population databases (rs781678896, gnomAD 0.003%). This variant has not been reported in the literature in individuals affected with CHEK2-related conditions. ClinVar contains an entry for this variant (Variation ID: 479549). An algorithm developed to predict the effect of missense changes on protein structure and function (PolyPhen-2) suggests that this variant is likely to be tolerated. Experimental studies have shown that this missense change does not substantially affect CHEK2 function (PMID: 37449874). In summary, the available evidence is currently insufficient to determine the role of this variant in disease. Therefore, it has been classified as a Variant of Uncertain Significance.

Molecular Diagnostics Laboratory, Catalan Institute of Oncology
Classification: Uncertain significance for Hereditary cancer-predisposing syndrome. Last evaluated: 2025-03-06. Review status: criteria provided, single submitter. Criteria: ACMG Guidelines, 2015. Collection method: clinical testing. Allele origin: germline.
Comment: PM1, PM2_Supporting c.436A>C, located in exon 3 of the CHEK2 gene, is predicted to result in the substitution of Ile by Leu at codon 146, p.(Ile146Leu). This variant affects a highly conserved amino acid of the FHA-domain (115-175 aa) (PM1). This variant is found in 3/268178 alleles at a frequency of 0.0011% in the gnomAD v2.1.1 database, non-cancer dataset (PM2_Supporting). The SpliceAI algorithm predicts no significant impact on splicing and the REVEL meta-predictor score (0,403) for this variant is indeterminate regarding the effect that it may have on protein function according Pejaver 2022 thresholds (PMID: 36413997). To our knowledge, no relevant clinical data have been reported for this variant. A recent CHEK2-complementation assay quantifying KAP1 phosphorylation and CHK2 autophosphorylation in human RPE1–CHEK2-knockout cells has shown that this missense change does not affect CHEK2 function (PMID: 37449874). There are no reports of pathogenic missense variants in the same codon. This variant has been reported in individuals undergoing hereditary cancer panel testing (PMID: 32906215), as well as in breast cancer cases and control individuals in a large scale breast cancer association study (PMID: 33471991). This variant has been reported in ClinVar (7x uncertain significance) and LOVD (1x uncertain significance) databases. Based on currently available information, the variant c.436A>C should be considered an uncertain significance variant.

Ambry Genetics
Classification: Uncertain significance for Hereditary cancer-predisposing syndrome. Last evaluated: 2025-01-27. Review status: criteria provided, single submitter. Criteria: Ambry Variant Classification Scheme 2023. Collection method: clinical testing. Allele origin: germline.
Comment: The p.I146L variant (also known as c.436A>C), located in coding exon 2 of the CHEK2 gene, results from an A to C substitution at nucleotide position 436. The isoleucine at codon 146 is replaced by leucine, an amino acid with highly similar properties. This variant was reported as functional in a study assessing CHEK2-complementation through quantification of KAP1 phosphorylation and CHK2 autophosphorylation in human RPE1-CHEK2-knockout cells (Stolarova L et al. Clin Cancer Res, 2023 Aug;29:3037-3050). This amino acid position is highly conserved in available vertebrate species. In addition, the in silico prediction for this alteration is inconclusive. Based on the available evidence, the clinical significance of this variant remains unclear.

Baylor Genetics
Classification: Uncertain significance for Familial cancer of breast. Last evaluated: 2024-03-29. Review status: criteria provided, single submitter. Criteria: ACMG Guidelines, 2015. Collection method: clinical testing. Allele origin: unknown.

GeneDx
Classification: Uncertain significance. Last evaluated: 2023-11-21. Review status: criteria provided, single submitter. Criteria: GeneDx Variant Classification Process June 2021. Collection method: clinical testing. Allele origin: germline. Affected: yes.
Comment: Observed in a cohort of individuals with suspected hereditary cancer (PMID: 32906215); Not observed at significant frequency in large population cohorts (gnomAD); In silico analysis supports that this missense variant does not alter protein structure/function; This variant is associated with the following publications: (PMID: 22419737, 19782031, 32906215)

Quest Diagnostics Nichols Institute San Juan Capistrano
Classification: Uncertain significance. Last evaluated: 2023-07-18. Review status: criteria provided, single submitter. Criteria: Quest Diagnostics criteria. Collection method: clinical testing. Allele origin: unknown.
Comment: In the published literature, this variant has been reported in individuals undergoing hereditary cancer panel testing (PMID: 32906215 (2020)), as well as in breast cancer cases and control individuals in a large scale breast cancer association study (PMID: 33471991 (2021), see also LOVD). The frequency of this variant in the general population, 0.000026 (3/113604 chromosomes (Genome Aggregation Database)), is uninformative in the assessment of its pathogenicity. Analysis of this variant using bioinformatics tools for the prediction of the effect of amino acid changes on protein structure and function yielded conflicting predictions that this variant is deleterious or benign. Based on the available information, we are unable to determine the clinical significance of this variant.

Color Diagnostics, LLC DBA Color Health
Classification: Uncertain significance for Hereditary cancer-predisposing syndrome. Last evaluated: 2023-06-27. Review status: criteria provided, single submitter. Criteria: ACMG Guidelines, 2015. Collection method: clinical testing. Allele origin: germline.
Comment: This missense variant replaces isoleucine with leucine at codon 146 of the CHEK2 protein. Computational prediction suggests that this variant may not impact protein structure and function (internally defined REVEL score threshold <= 0.5, PMID: 27666373). To our knowledge, functional studies have not been reported for this variant. In a large breast cancer case-control study conducted by the BRIDGES consortium, this variant was reported in 2/60466 cases and 3/53461 unaffected controls (PMID: 33471991; Leiden Open Variation Database DB-ID CHEK2_000226). This variant has been identified in 3/251306 chromosomes in the general population by the Genome Aggregation Database (gnomAD). The available evidence is insufficient to determine the role of this variant in disease conclusively. Therefore, this variant is classified as a Variant of Uncertain Significance.

Fulgent Genetics
Classification: Uncertain significance for Familial cancer of breast; Familial prostate cancer; Bone osteosarcoma; CHEK2-related cancer predisposition. Last evaluated: 2018-10-31. Review status: criteria provided, single submitter. Criteria: ACMG Guidelines, 2015. Collection method: clinical testing. Allele origin: unknown.

Literature cited by the submitters: PubMed 37449874 (cited by Labcorp Genetics (formerly Invitae), Labcorp and Ambry Genetics); PubMed 33471991 (cited by Quest Diagnostics Nichols Institute San Juan Capistrano and Color Diagnostics, LLC DBA Color Health); PubMed 32906215 (cited by Quest Diagnostics Nichols Institute San Juan Capistrano).